The following is an entry in ClinVar:

NM_013254.4(TBK1):c.723G>C (p.Lys241Asn)

Gene: TBK1 (TANK binding kinase 1; plus strand). Cytogenetic location: 12q14.2.
Variant type: single nucleotide variant.
Coding change: c.723G>C on transcript NM_013254.4 (MANE Select); coding-DNA position 723, G replaced by C.
Protein change: p.Lys241Asn; replaces lysine 241 with asparagine.
Molecular consequence: missense variant.
Genome position (GRCh38, 1-based): chr12:64,480,033, G>C. VCF-style: chr12-64480033-G-C. GRCh37 (hg19) VCF-style: chr12-64873813-G-C.
Other names: short protein forms K241N.
Identifiers: ClinVar variation 2578686 (VCV002578686.25), dbSNP rs371799560, ClinGen allele CA385598277.
Genomic context (GRCh38, chr12:64,480,033, plus strand): 5'-ATGAACTGCTTATTTTATTCTGCTTTTGTTCCTCCCAAGGTATAAAATAATTACAGGAAA[G>C]CCTTCTGGTGCAATATCTGGAGTACAGAAAGCAGAAAATGGACCAATTGACTGGAGTGGA-3'
Protein context (NP_037386.1, residues 231-251): KEVMYKIITG[Lys241Asn]PSGAISGVQK

ClinVar aggregate classification (germline): Uncertain significance (1 of 4 stars; one submission).

Submission:

CeGaT Center for Human Genetics Tuebingen
Classification: Uncertain significance. Last evaluated: 2023-07-01. Review status: criteria provided, single submitter. Criteria: CeGaT Center For Human Genetics Tuebingen Variant Classification Criteria Version 2. Collection method: clinical testing. Allele origin: germline. Affected: yes. Observed: 1 variant allele.
Comment: TBK1: PM2